The following is an entry in ClinVar:

ClinVar aggregate classification (germline): Uncertain significance (1 of 4 stars; one submission).

Conditions:
Neutral lipid storage myopathy (NLSDM). Also called: NEUTRAL LIPID STORAGE DISEASE WITHOUT ICHTHYOSIS. Identifiers: Orphanet 98908, MedGen C1853136, MONDO:0012545, OMIM 610717.

Allele frequency attached by ClinVar (database versions not stated): gnomAD 0.00001.
gnomAD v4.1: 1 of 1,613,386 alleles (0.000062%); highest among the groups gnomAD compares: Non-Finnish European, 0.000085%; no homozygotes.

Submission:

Labcorp Genetics (formerly Invitae), Labcorp
Classification: Uncertain significance for Neutral lipid storage myopathy. Last evaluated: 2022-09-01. Review status: criteria provided, single submitter. Criteria: Invitae Variant Classification Sherloc (09022015). Collection method: clinical testing. Allele origin: germline.
Comment: In summary, the available evidence is currently insufficient to determine the role of this variant in disease. Therefore, it has been classified as a Variant of Uncertain Significance. This sequence change replaces phenylalanine, which is neutral and non-polar, with leucine, which is neutral and non-polar, at codon 227 of the PNPLA2 protein (p.Phe227Leu). This variant is not present in population databases (gnomAD no frequency). This variant has not been reported in the literature in individuals affected with PNPLA2-related conditions. ClinVar contains an entry for this variant (Variation ID: 1045963). Algorithms developed to predict the effect of missense changes on protein structure and function (SIFT, PolyPhen-2, Align-GVGD) all suggest that this variant is likely to be tolerated.

NM_020376.4(PNPLA2):c.681C>G (p.Phe227Leu)

Gene: PNPLA2 (patatin like domain 2, triacylglycerol lipase; plus strand). Cytogenetic location: 11p15.5.
Variant type: single nucleotide variant.
Coding change: c.681C>G on transcript NM_020376.4 (MANE Select); coding-DNA position 681, C replaced by G.
Protein change: p.Phe227Leu; replaces phenylalanine 227 with leucine.
Molecular consequence: missense variant.
Genome position (GRCh38, 1-based): chr11:822,591, C>G. VCF-style: chr11-822591-C-G. GRCh37 (hg19) VCF-style: chr11-822591-C-G.
Other names: short protein forms F227L.
Identifiers: ClinVar variation 1045963 (VCV001045963.8), dbSNP rs1845706236, ClinGen allele CA378980597.